The following is an entry in ClinVar:

ClinVar aggregate classification (germline): Likely pathogenic (1 of 4 stars; one submission).

Conditions:
Kabuki syndrome 1 (KABUK1). Also called: KMT2D-Related Kabuki Syndrome. Identifiers: Orphanet 2322, MedGen CN030661, MONDO:0007843, OMIM 147920.

Submission:

Victorian Clinical Genetics Services, Murdoch Childrens Research Institute
Classification: Likely pathogenic for Kabuki syndrome 1. Last evaluated: 2023-07-17. Review status: criteria provided, single submitter. Criteria: ACMG Guidelines, 2015. Collection method: clinical testing. Allele origin: germline. Inheritance: Autosomal dominant inheritance. Affected: yes.
Comment: Based on the classification scheme VCGS_Germline_v1.3.4, this variant is classified as Likely pathogenic. Following criteria are met: 0102 - Loss of function is a known mechanism of disease in this gene and is associated with Kabuki syndrome 1 (MIM#147920). (I) 0107 - This gene is associated with autosomal dominant disease. (I) 0115 - Variants in this gene are known to have variable expressivity (PMID: 21882399). (I) 0211 - Canonical splice site variant without proven consequence on splicing (no functional evidence available). (SP) 0251 - This variant is heterozygous. (I) 0301 - Variant is absent from gnomAD (both v2 and v3). (SP) 0505 - Abnormal splicing is predicted by in silico tools and affected nucleotide is highly conserved. (SP) 0807 - This variant has no previous evidence of pathogenicity. (I) 0905 - No published segregation evidence has been identified for this variant. (I) 1007 - No published functional evidence has been identified for this variant. (SP) Legend: (SP) - Supporting pathogenic, (I) - Information, (SB) - Supporting benign

Literature cited by the submitters: PubMed 21882399.

NM_003482.4(KMT2D):c.4742-1G>A

Gene: KMT2D (lysine methyltransferase 2D; minus strand). Cytogenetic location: 12q13.12.
Variant type: single nucleotide variant.
Coding change: c.4742-1G>A on transcript NM_003482.4 (MANE Select); the canonical splice acceptor site of the intron before coding-DNA position 4742, G replaced by A.
Molecular consequence: splice acceptor variant.
Genome position (GRCh38, 1-based): chr12:49,044,966, C>T on the plus strand (G>A on the coding strand, the complement: KMT2D is on the minus strand). VCF-style: chr12-49044966-C-T. GRCh37 (hg19) VCF-style: chr12-49438749-C-T.
Identifiers: ClinVar variation 3254805 (VCV003254805.1), dbSNP rs2120590311.
Genomic context (GRCh38, chr12:49,044,966, plus strand): 5'-GCAGCAAGGCCATGCCAGTTTCTGTCAGCCACACACCTTCGAAGCGAAAGTACTGGGGCT[C>T]TGCATAAGAGGAAAGAGTATGTGATCCCTGGATGGAAGCCCCAGGGAAACCAGAACTGCA-3'